The following is an entry in ClinVar:

ClinVar aggregate classification (germline): Conflicting classifications of pathogenicity. Review status: criteria provided, conflicting classifications (1 of 4 stars). 3 submissions from 3 submitters: Uncertain significance (1); Likely benign (2). Last evaluated 2026-07-02.

Conditions:
Birt-Hogg-Dube syndrome. Also called: Birt Hogg Dubé syndrome. Identifiers: Orphanet 122, MedGen C0346010, MONDO:0800444.
Familial spontaneous pneumothorax (PSP). Identifiers: Orphanet 2903, MedGen C1868193, MONDO:0008259, OMIM 173600.
17p11.2 microduplication syndrome (PTLS). Also called: CHROMOSOME 17p11.2 DUPLICATION SYNDROME; Potocki-Lupski syndrome; Duplication 17p11.2 syndrome; Potocki-Lupski syndrome (dup(17)(p11.2p11.2)). Identifiers: Orphanet 1713, MedGen C2931246, MONDO:0012574, OMIM 610883.
Nonpapillary renal cell carcinoma. Identifiers: Orphanet 422526, MedGen CN074294, MONDO:0007763, OMIM 144700.
Colorectal cancer. Also called: Colorectal cancer, somatic; Malignant Colorectal Neoplasm. Identifiers: MedGen C0346629, MONDO:0005575, OMIM 114500.
Hereditary cancer-predisposing syndrome. Also called: Tumor predisposition; Hereditary neoplastic syndrome; Neoplastic Syndromes, Hereditary; Hereditary Cancer Syndrome. Identifiers: Orphanet 140162, MedGen C0027672, MeSH D009386, MONDO:0015356.

Allele frequency attached by ClinVar (database versions not stated): gnomAD exomes 0.00002; TOPMed 0.00002.
gnomAD v4.1: 28 of 1,612,810 alleles (0.0017%); highest among the groups gnomAD compares: Non-Finnish European, 0.0021%; no homozygotes.

Submissions (3):

Ambry Genetics
Classification: Uncertain significance for Hereditary cancer-predisposing syndrome. Last evaluated: 2026-07-02. Review status: criteria provided, single submitter. Criteria: Ambry Variant Classification Scheme 2023. Collection method: clinical testing. Allele origin: germline.
Comment: The p.V295A variant (also known as c.884T>C), located in coding exon 5 of the FLCN gene, results from a T to C substitution at nucleotide position 884. The valine at codon 295 is replaced by alanine, an amino acid with similar properties. This amino acid position is conserved. In addition, this alteration is predicted to be tolerated by in silico analysis. Based on the available evidence, the clinical significance of this variant remains unclear.

Labcorp Genetics (formerly Invitae), Labcorp
Classification: Likely benign for Birt-Hogg-Dube syndrome. Last evaluated: 2025-12-28. Review status: criteria provided, single submitter. Criteria: Invitae Variant Classification Sherloc (09022015). Collection method: clinical testing. Allele origin: germline.

Fulgent Genetics
Classification: Likely benign for Colorectal cancer; Birt-Hogg-Dube syndrome 1; Nonpapillary renal cell carcinoma; Familial spontaneous pneumothorax; 17p11.2 microduplication syndrome. Last evaluated: 2022-03-28. Review status: criteria provided, single submitter. Criteria: ACMG Guidelines, 2015. Collection method: clinical testing. Allele origin: unknown.

NM_144997.7(FLCN):c.871+13T>C

Gene: FLCN (folliculin; minus strand). Cytogenetic location: 17p11.2.
Variant type: single nucleotide variant.
Coding change: c.871+13T>C on transcript NM_144997.7 (MANE Select); 13 bases into the intron after coding-DNA position 871, T replaced by C.
Molecular consequence: intron variant. On other transcripts: missense variant (1).
Genome position (GRCh38, 1-based): chr17:17,221,524, A>G on the plus strand (T>C on the coding strand, the complement: FLCN is on the minus strand). VCF-style: chr17-17221524-A-G. GRCh37 (hg19) VCF-style: chr17-17124838-A-G.
Other names: c.884T>C, p.Val295Ala (NM_144606.7); c.871+13T>C (NM_001353231.2, NM_001353230.2); c.925+13T>C (NM_001353229.2); c.884T>C (NM_144606.5); short protein forms V295A.
Identifiers: ClinVar variation 1604102 (VCV001604102.10), dbSNP rs770537219, ClinGen allele CA288314421.